The following is an entry in ClinVar:

NM_001105206.3(LAMA4):c.4134-1G>A

Gene: LAMA4 (laminin subunit alpha 4; minus strand). Cytogenetic location: 6q21.
Variant type: single nucleotide variant.
Coding change: c.4134-1G>A on transcript NM_001105206.3 (MANE Select); the canonical splice acceptor site of the intron before coding-DNA position 4134, G replaced by A.
Molecular consequence: splice acceptor variant.
Genome position (GRCh38, 1-based): chr6:112,129,076, C>T on the plus strand (G>A on the coding strand, the complement: LAMA4 is on the minus strand). VCF-style: chr6-112129076-C-T. GRCh37 (hg19) VCF-style: chr6-112450278-C-T.
Other names: c.4113-1G>A (NM_002290.5, NM_001105207.3).
Identifiers: ClinVar variation 264298 (VCV000264298.5), dbSNP rs886039116, ClinGen allele CA10587623.

ClinVar aggregate classification (germline): Uncertain significance (1 of 4 stars; one submission).

Conditions:
Cardiovascular phenotype. Identifiers: MedGen CN230736.

Allele frequency attached by ClinVar (database versions not stated): gnomAD exomes below 0.00001; gnomAD 0.00002; TOPMed 0.00002.
gnomAD v4.1: 4 of 1,609,560 alleles (0.00025%); highest among the groups gnomAD compares: Non-Finnish European, 0.00034%; no homozygotes.

Submission:

Ambry Genetics
Classification: Uncertain significance for Cardiovascular phenotype. Last evaluated: 2021-08-18. Review status: criteria provided, single submitter. Criteria: Ambry Variant Classification Scheme 2023. Collection method: clinical testing. Allele origin: germline.
Comment: The c.4113-1G>A intronic variant results from a G to A substitution one nucleotide upstream from coding exon 30 of the LAMA4 gene. This nucleotide position is highly conserved in available vertebrate species. In silico splice site analysis predicts that this alteration will weaken the native splice acceptor site and will result in the creation or strengthening of a novel splice acceptor site. Alterations that disrupt the canonical splice site are expected to cause aberrant splicing, resulting in an abnormal protein or a transcript that is subject to nonsense-mediated mRNA decay. However, loss of function of LAMA4 has not been clearly established as a mechanism of disease. Since supporting evidence is limited at this time, the clinical significance of this alteration remains unclear.